The following is an entry in ClinVar:

ClinVar aggregate classification (germline): Conflicting classifications of pathogenicity. Review status: criteria provided, conflicting classifications (1 of 4 stars). 3 submissions from 3 submitters: Uncertain significance (2); Likely benign (1). Last evaluated 2025-04-15.

Conditions:
Familial hypobetalipoproteinemia 1. Also called: APOB-Related Familial Hypobetalipoproteinemia; Hypobetalipoproteinemia, normotriglyceridemic; Acanthocytosis with hypobetalipoproteinemia. Identifiers: MedGen C4551990, MONDO:0014252, OMIM 615558.
Hypercholesterolemia, autosomal dominant, type B (FHCL2). Also called: Hyperlipoproteinemia Type IIb; Familial hypercholesterolemia 2; Familial Hypercholesterolemia Type B; APOLIPOPROTEIN B-100, FAMILIAL DEFECTIVE; APOLIPOPROTEIN B-100, FAMILIAL LIGAND-DEFECTIVE; HYPERCHOLESTEROLEMIA, FAMILIAL, DUE TO LIGAND-DEFECTIVE APOLIPOPROTEIN B. Identifiers: MedGen C1704417, MONDO:0007751, OMIM 144010.
Cardiovascular phenotype. Identifiers: MedGen CN230736.

Allele frequency attached by ClinVar (database versions not stated): TOPMed below 0.00001; ExAC 0.00001; gnomAD 0.00001.
gnomAD v4.1: 83 of 1,573,384 alleles (0.0053%); highest among the groups gnomAD compares: Non-Finnish European, 0.007%; no homozygotes.

Submissions (3):

Ambry Genetics
Classification: Uncertain significance for Cardiovascular phenotype. Last evaluated: 2025-04-15. Review status: criteria provided, single submitter. Criteria: Ambry Variant Classification Scheme 2023. Collection method: clinical testing. Allele origin: germline.

Labcorp Genetics (formerly Invitae), Labcorp
Classification: Likely benign for Familial hypobetalipoproteinemia 1; Hypercholesterolemia, autosomal dominant, type B. Last evaluated: 2024-11-17. Review status: criteria provided, single submitter. Criteria: Invitae Variant Classification Sherloc (09022015). Collection method: clinical testing. Allele origin: germline.

Mayo Clinic Laboratories, Mayo Clinic
Classification: Uncertain significance. Last evaluated: 2022-02-10. Review status: criteria provided, single submitter. Criteria: ACMG Guidelines, 2015. Collection method: clinical testing. Allele origin: germline. Observed: 1 variant allele.
Comment: BP4

NM_000384.3(APOB):c.12358A>T (p.Ile4120Phe)

Gene: APOB (apolipoprotein B; minus strand). Cytogenetic location: 2p24.1.
Variant type: single nucleotide variant.
Coding change: c.12358A>T on transcript NM_000384.3 (MANE Select); coding-DNA position 12358, A replaced by T.
Protein change: p.Ile4120Phe; replaces isoleucine 4120 with phenylalanine.
Molecular consequence: missense variant.
Genome position (GRCh38, 1-based): chr2:21,003,064, T>A on the plus strand (A>T on the coding strand, the complement: APOB is on the minus strand). VCF-style: chr2-21003064-T-A. GRCh37 (hg19) VCF-style: chr2-21225936-T-A.
Other names: p.Ile4120Phe; short protein forms I4120F.
Identifiers: ClinVar variation 1756594 (VCV001756594.7), dbSNP rs760943185, ClinGen allele CA050038.